The following is an entry in ClinVar:

NM_013338.5(ALG5):c.*5T>C

Gene: ALG5 (ALG5 dolichyl-phosphate beta-glucosyltransferase; minus strand). Cytogenetic location: 13q13.3.
Variant type: single nucleotide variant.
Coding change: c.*5T>C on transcript NM_013338.5 (MANE Select); 5 bases downstream of the stop codon, T replaced by C.
Molecular consequence: 3 prime UTR variant.
Genome position (GRCh38, 1-based): chr13:36,949,937, A>G on the plus strand (T>C on the coding strand, the complement: ALG5 is on the minus strand). VCF-style: chr13-36949937-A-G. GRCh37 (hg19) VCF-style: chr13-37524074-A-G.
Other names: c.*5T>C (NM_001142364.1).
Identifiers: ClinVar variation 4981191 (VCV004981191.1).

ClinVar aggregate classification (germline): Likely benign (1 of 4 stars; one submission).

Conditions:
ALG5-related disorder. Also called: ALG5-related condition.

gnomAD v4.1: 120 of 1,597,376 alleles (0.0075%); highest among the groups gnomAD compares: African/African-American, 0.13%; no homozygotes.

Submission:

PreventionGenetics, part of Exact Sciences
Classification: Likely benign for ALG5-related condition. Last evaluated: 2025-10-12. Review status: criteria provided, single submitter. Criteria: ACMG Guidelines, 2015. Collection method: clinical testing. Allele origin: germline.
Comment: This variant is classified as likely benign based on ACMG/AMP sequence variant interpretation guidelines (Richards et al. 2015 PMID: 25741868, with internal and published modifications).